The following is an entry in ClinVar:

ClinVar aggregate classification (germline): Uncertain significance (1 of 4 stars; one submission).

Conditions:
Regional enteritis. Also called: Enteritis, Granulomatous. Identifiers: MedGen C0678202, MeSH D003424.
Blau syndrome (BLAUS). Also called: GRANULOMATOSIS, FAMILIAL JUVENILE SYSTEMIC; GRANULOMATOSIS, FAMILIAL, BLAU TYPE; GRANULOMATOUS INFLAMMATORY ARTHRITIS, DERMATITIS, AND UVEITIS, FAMILIAL; JABS SYNDROME; ARTHROCUTANEOUVEAL GRANULOMATOSIS. Identifiers: Orphanet 90340, MedGen C5201146, MONDO:0008523, OMIM 186580.

Allele frequency attached by ClinVar (database versions not stated): TOPMed 0.00003; gnomAD 0.00001; ExAC 0.00001; gnomAD exomes 0.00001.
gnomAD v4.1: 4 of 1,613,948 alleles (0.00025%); highest among the groups gnomAD compares: African/African-American, 0.004%; no homozygotes.

Submission:

Labcorp Genetics (formerly Invitae), Labcorp
Classification: Uncertain significance for Regional enteritis; Blau syndrome. Last evaluated: 2023-06-14. Review status: criteria provided, single submitter. Criteria: Invitae Variant Classification Sherloc (09022015). Collection method: clinical testing. Allele origin: germline.
Comment: This variant has not been reported in the literature in individuals affected with NOD2-related conditions. In summary, the available evidence is currently insufficient to determine the role of this variant in disease. Therefore, it has been classified as a Variant of Uncertain Significance. Advanced modeling of protein sequence and biophysical properties (such as structural, functional, and spatial information, amino acid conservation, physicochemical variation, residue mobility, and thermodynamic stability) performed at Invitae indicates that this missense variant is not expected to disrupt NOD2 protein function. ClinVar contains an entry for this variant (Variation ID: 655691). This variant is present in population databases (rs778481419, gnomAD 0.007%). This sequence change replaces aspartic acid, which is acidic and polar, with glycine, which is neutral and non-polar, at codon 824 of the NOD2 protein (p.Asp824Gly).

NM_001370466.1(NOD2):c.2390A>G (p.Asp797Gly)

Gene: NOD2 (nucleotide binding oligomerization domain containing 2; plus strand). Cytogenetic location: 16q12.1.
Variant type: single nucleotide variant.
Coding change: c.2390A>G on transcript NM_001370466.1 (MANE Select); coding-DNA position 2390, A replaced by G.
Protein change: p.Asp797Gly; replaces aspartic acid 797 with glycine.
Molecular consequence: missense variant. On other transcripts: non-coding transcript variant (1).
Genome position (GRCh38, 1-based): chr16:50,716,595, A>G. VCF-style: chr16-50716595-A-G. GRCh37 (hg19) VCF-style: chr16-50750506-A-G.
Other names: c.2390A>G, p.Asp797Gly (NM_001293557.2); c.2471A>G, p.Asp824Gly (NM_022162.3); short protein forms D797G, D824G.
Identifiers: ClinVar variation 655691 (VCV000655691.9), dbSNP rs778481419, ClinGen allele CA8051797.